The following is an entry in ClinVar:

ClinVar aggregate classification (germline): Uncertain significance. Review status: criteria provided, multiple submitters, no conflicts (2 of 4 stars). 2 submissions from 2 submitters: Uncertain significance (2). Last evaluated 2023-06-02.

Conditions:
Neurofibromatosis, type 1 (NF1). Also called: Neurofibromatosis, type I; VON RECKLINGHAUSEN DISEASE; NEUROFIBROMATOSIS, TYPE I, SOMATIC; Peripheral type neurofibromatosis. Identifiers: Orphanet 636, MedGen C0027831, MONDO:0018975, OMIM 162200. Disease mechanism: loss of function.

Submissions (2):

GeneDx
Classification: Uncertain significance. Last evaluated: 2023-06-02. Review status: criteria provided, single submitter. Criteria: GeneDx Variant Classification Process June 2021. Collection method: clinical testing. Allele origin: germline. Affected: yes.
Comment: Not observed at significant frequency in large population cohorts (gnomAD); In silico analysis supports that this missense variant does not alter protein structure/function; Has not been previously published as pathogenic or benign to our knowledge; This variant is associated with the following publications: (PMID: 25486365)

Labcorp Genetics (formerly Invitae), Labcorp
Classification: Uncertain significance for Neurofibromatosis, type 1. Last evaluated: 2023-02-22. Review status: criteria provided, single submitter. Criteria: Invitae Variant Classification Sherloc (09022015). Collection method: clinical testing. Allele origin: germline.
Comment: This variant has not been reported in the literature in individuals affected with NF1-related conditions. This variant is not present in population databases (gnomAD no frequency). This sequence change replaces lysine, which is basic and polar, with glutamic acid, which is acidic and polar, at codon 783 of the NF1 protein (p.Lys783Glu). In summary, the available evidence is currently insufficient to determine the role of this variant in disease. Therefore, it has been classified as a Variant of Uncertain Significance. Advanced modeling of protein sequence and biophysical properties (such as structural, functional, and spatial information, amino acid conservation, physicochemical variation, residue mobility, and thermodynamic stability) performed at Invitae indicates that this missense variant is expected to disrupt NF1 protein function.

NM_001042492.3(NF1):c.2347A>G (p.Lys783Glu)

Gene: NF1 (neurofibromin 1; plus strand). Cytogenetic location: 17q11.2.
Variant type: single nucleotide variant.
Coding change: c.2347A>G on transcript NM_001042492.3 (MANE Select); coding-DNA position 2347, A replaced by G.
Protein change: p.Lys783Glu; replaces lysine 783 with glutamic acid.
Molecular consequence: missense variant.
Genome position (GRCh38, 1-based): chr17:31,227,544, A>G. VCF-style: chr17-31227544-A-G. GRCh37 (hg19) VCF-style: chr17-29554562-A-G.
Other names: c.2347A>G, p.Lys783Glu (NM_000267.4); short protein forms K783E.
Identifiers: ClinVar variation 2839417 (VCV002839417.4), dbSNP rs2151427480, ClinGen allele CA398983082.